The following is an entry in ClinVar:

ClinVar aggregate classification (germline): Likely benign (1 of 4 stars; one submission).

Conditions:
CREBBP-related disorder. Also called: CREBBP-related disorders; CREBBP-related condition.

gnomAD v4.1: 22 of 1,613,708 alleles (0.0014%); highest among the groups gnomAD compares: Non-Finnish European, 0.0017%; no homozygotes.

Submission:

PreventionGenetics, part of Exact Sciences
Classification: Likely benign for CREBBP-related condition. Last evaluated: 2024-11-12. Review status: criteria provided, single submitter. Criteria: ACMG Guidelines, 2015. Collection method: clinical testing. Allele origin: germline.
Comment: This variant is classified as likely benign based on ACMG/AMP sequence variant interpretation guidelines (Richards et al. 2015 PMID: 25741868, with internal and published modifications).

NM_004380.3(CREBBP):c.951T>G (p.Thr317=)

Gene: CREBBP (CREB binding lysine acetyltransferase; minus strand). Cytogenetic location: 16p13.3.
Variant type: single nucleotide variant.
Coding change: c.951T>G on transcript NM_004380.3 (MANE Select); coding-DNA position 951, T replaced by G.
Protein change: p.Thr317=; no amino-acid change (threonine 317 retained).
Molecular consequence: synonymous variant.
Genome position (GRCh38, 1-based): chr16:3,810,627, A>C on the plus strand (T>G on the coding strand, the complement: CREBBP is on the minus strand). VCF-style: chr16-3810627-A-C. GRCh37 (hg19) VCF-style: chr16-3860628-A-C.
Other names: c.951T>G, p.Thr317= (NM_001079846.1).
Identifiers: ClinVar variation 4989695 (VCV004989695.1).
Genomic context (GRCh38, chr16:3,810,627, plus strand): 5'-GGAGAGCCATAACACTGAGGGCCAAGGGTAACTTACCATATTTGGCACGTTGGTGACTGA[A>C]GTATTCTTGATATCTGTAGGGAAGGTGGGCAAACTGTTGACCATGCTCTGTTTGCTGGCT-3'
Protein context (NP_004371.2, residues 307-327): LPTFPTDIKN[Thr317=]SVTNVPNMSQ